The following is an entry in ClinVar:

NM_021728.4(OTX2):c.440T>C (p.Val147Ala)

Gene: OTX2 (orthodenticle homeobox 2; minus strand). Cytogenetic location: 14q22.3.
Variant type: single nucleotide variant.
Coding change: c.440T>C on transcript NM_021728.4 (MANE Select); coding-DNA position 440, T replaced by C.
Protein change: p.Val147Ala; replaces valine 147 with alanine.
Molecular consequence: missense variant. On other transcripts: non-coding transcript variant (2).
Genome position (GRCh38, 1-based): chr14:56,802,189, A>G on the plus strand (T>C on the coding strand, the complement: OTX2 is on the minus strand). VCF-style: chr14-56802189-A-G. GRCh37 (hg19) VCF-style: chr14-57268907-A-G.
Other names: c.416T>C, p.Val139Ala (NM_001270523.2, NM_001270524.2, NM_172337.3); c.440T>C, p.Val147Ala (NM_001270525.2); short protein forms V139A, V147A.
Identifiers: ClinVar variation 1482959 (VCV001482959.8), dbSNP rs2139528876, ClinGen allele CA390051859.

ClinVar aggregate classification (germline): Uncertain significance (1 of 4 stars; one submission).

Conditions:
Anophthalmia-microphthalmia syndrome. Also called: Anophthalmia/Microphthalmia; Anophthalmia - microphthalmia. Identifiers: Orphanet 98555, MedGen C5680330, MONDO:0020147.

Allele frequency attached by ClinVar (database versions not stated): gnomAD exomes below 0.00001.
gnomAD v4.1: 1 of 1,614,122 alleles (0.000062%); highest among the groups gnomAD compares: Non-Finnish European, 0.000085%; no homozygotes.

Submission:

Labcorp Genetics (formerly Invitae), Labcorp
Classification: Uncertain significance for Anophthalmia-microphthalmia syndrome. Last evaluated: 2021-04-23. Review status: criteria provided, single submitter. Criteria: Invitae Variant Classification Sherloc (09022015). Collection method: clinical testing. Allele origin: germline.
Comment: This sequence change replaces valine with alanine at codon 139 of the OTX2 protein (p.Val139Ala). The valine residue is highly conserved and there is a small physicochemical difference between valine and alanine. This variant is not present in population databases (ExAC no frequency). This variant has not been reported in the literature in individuals with OTX2-related conditions. Algorithms developed to predict the effect of missense changes on protein structure and function are either unavailable or do not agree on the potential impact of this missense change (SIFT: "Deleterious"; PolyPhen-2: "Benign"; Align-GVGD: "Class C55"). In summary, the available evidence is currently insufficient to determine the role of this variant in disease. Therefore, it has been classified as a Variant of Uncertain Significance.